The following is an entry in ClinVar:

NM_001376.5(DYNC1H1):c.3503C>G (p.Thr1168Ser)

Gene: DYNC1H1 (dynein cytoplasmic 1 heavy chain 1; plus strand). Cytogenetic location: 14q32.31.
Variant type: single nucleotide variant.
Coding change: c.3503C>G on transcript NM_001376.5 (MANE Select); coding-DNA position 3503, C replaced by G.
Protein change: p.Thr1168Ser; replaces threonine 1168 with serine.
Molecular consequence: missense variant.
Genome position (GRCh38, 1-based): chr14:101,995,239, C>G. VCF-style: chr14-101995239-C-G. GRCh37 (hg19) VCF-style: chr14-102461576-C-G.
Other names: short protein forms T1168S.
Identifiers: ClinVar variation 1408447 (VCV001408447.8), dbSNP rs2141281089, ClinGen allele CA391035331.

ClinVar aggregate classification (germline): Uncertain significance (1 of 4 stars; one submission).

Conditions:
Charcot-Marie-Tooth disease axonal type 2O. Also called: Charcot-Marie-Tooth disease, axonal, type 20; Charcot-Marie-Tooth Neuropathy Type 2O; CHARCOT-MARIE-TOOTH NEUROPATHY, AXONAL, TYPE 2O; CHARCOT-MARIE-TOOTH DISEASE, AXONAL, AUTOSOMAL DOMINANT, TYPE 2O. Identifiers: Orphanet 284232, MedGen C3280220, MONDO:0013644, OMIM 614228.

Submission:

Labcorp Genetics (formerly Invitae), Labcorp
Classification: Uncertain significance for Charcot-Marie-Tooth disease axonal type 2O. Last evaluated: 2023-07-17. Review status: criteria provided, single submitter. Criteria: Invitae Variant Classification Sherloc (09022015). Collection method: clinical testing. Allele origin: germline.
Comment: In summary, the available evidence is currently insufficient to determine the role of this variant in disease. Therefore, it has been classified as a Variant of Uncertain Significance. Advanced modeling of protein sequence and biophysical properties (such as structural, functional, and spatial information, amino acid conservation, physicochemical variation, residue mobility, and thermodynamic stability) performed at Invitae indicates that this missense variant is not expected to disrupt DYNC1H1 protein function. ClinVar contains an entry for this variant (Variation ID: 1408447). This variant has not been reported in the literature in individuals affected with DYNC1H1-related conditions. This variant is not present in population databases (gnomAD no frequency). This sequence change replaces threonine, which is neutral and polar, with serine, which is neutral and polar, at codon 1168 of the DYNC1H1 protein (p.Thr1168Ser).